The following is an entry in ClinVar:

NM_007256.5(SLCO2B1):c.935G>A (p.Arg312Gln)

Gene: SLCO2B1 (solute carrier organic anion transporter family member 2B1; plus strand). Cytogenetic location: 11q13.4.
Variant type: single nucleotide variant.
Coding change: c.935G>A on transcript NM_007256.5 (MANE Select); coding-DNA position 935, G replaced by A.
Protein change: p.Arg312Gln; replaces arginine 312 with glutamine.
Molecular consequence: missense variant.
Genome position (GRCh38, 1-based): chr11:75,172,532, G>A. VCF-style: chr11-75172532-G-A. GRCh37 (hg19) VCF-style: chr11-74883577-G-A.
Other names: c.869G>A, p.Arg290Gln (NM_001145211.3); c.503G>A, p.Arg168Gln (NM_001145212.3); short protein forms R168Q, R290Q, R312Q.
Identifiers: ClinVar variation 1687047 (VCV001687047.3), dbSNP rs12422149, ClinGen allele CA6188232.
Genomic context (GRCh38, chr11:75,172,532, plus strand): 5'-TCCCCTACTTCTTCTTCCCCAAGGAAATGCCCAAGGAAAAACGTGAGCTTCAGTTTCGGC[G>A]AAAGGTCTTAGCAGTCACAGACTCACCTGCCAGGAAGGTAAGCTCCCTCCATGTCACCTG-3'
Protein context (NP_009187.1, residues 302-322): PKEKRELQFR[Arg312Gln]KVLAVTDSPA

Conditions:
Atorvastatin response. Also called: Lipitor response. Identifiers: MedGen CN077961.

Allele frequency attached by ClinVar (database versions not stated): ExAC 0.17345; 1000 Genomes Project 30x 0.20597; 1000 Genomes Project 0.20986; gnomAD exomes 0.12365; TOPMed 0.14410; ESP Exome Variant Server 0.09841.
gnomAD v4.1: 201,187 of 1,613,902 alleles (12%); highest among the groups gnomAD compares: Admixed American, 39%; 17,529 homozygotes.

Submission:

Pharmacometrics, Pharmacogenomics, Pharmacokinetics Research Group, Catholic University of Louvain
No classification provided (evidence only). Condition: atorvastatin response. Last evaluated: 2022-04-13. Review status: no classification provided. Collection method: in vitro. Allele origin: not applicable. Functional consequence: Decreased function.
Comment: functional variant

"drug response" was previously submitted as the classification for the variant. However, the classification appeared to be based only on an observation of functional data so it was converted to no classification on 2025-07-30.